The following is an entry in ClinVar:

NM_001197104.2(KMT2A):c.1322C>T (p.Ala441Val)

Gene: KMT2A (lysine methyltransferase 2A; plus strand). Cytogenetic location: 11q23.3.
Variant type: single nucleotide variant.
Coding change: c.1322C>T on transcript NM_001197104.2 (MANE Select); coding-DNA position 1322, C replaced by T.
Protein change: p.Ala441Val; replaces alanine 441 with valine.
Molecular consequence: missense variant.
Genome position (GRCh38, 1-based): chr11:118,472,481, C>T. VCF-style: chr11-118472481-C-T. GRCh37 (hg19) VCF-style: chr11-118343196-C-T.
Other names: c.1421C>T, p.Ala474Val (NM_001412597.1); c.1322C>T, p.Ala441Val (NM_005933.4); short protein forms A441V, A474V.
Identifiers: ClinVar variation 3690486 (VCV003690486.2).

ClinVar aggregate classification (germline): Uncertain significance (1 of 4 stars; one submission).

gnomAD v4.1: 1 of 1,613,506 alleles (0.000062%); highest among the groups gnomAD compares: Non-Finnish European, 0.000085%; no homozygotes.

Submission:

Labcorp Genetics (formerly Invitae), Labcorp
Classification: Uncertain significance. Last evaluated: 2024-04-06. Review status: criteria provided, single submitter. Criteria: Invitae Variant Classification Sherloc (09022015). Collection method: clinical testing. Allele origin: germline.
Comment: This sequence change replaces alanine, which is neutral and non-polar, with valine, which is neutral and non-polar, at codon 441 of the KMT2A protein (p.Ala441Val). This variant is not present in population databases (gnomAD no frequency). This variant has not been reported in the literature in individuals affected with KMT2A-related conditions. Advanced modeling of protein sequence and biophysical properties (such as structural, functional, and spatial information, amino acid conservation, physicochemical variation, residue mobility, and thermodynamic stability) has been performed at Invitae for this missense variant, however the output from this modeling did not meet the statistical confidence thresholds required to predict the impact of this variant on KMT2A protein function. In summary, the available evidence is currently insufficient to determine the role of this variant in disease. Therefore, it has been classified as a Variant of Uncertain Significance.